The following is an entry in ClinVar:

NM_014806.5(RUSC2):c.3806_3807delinsAA (p.Gly1269Glu)

Gene: RUSC2 (RUN and SH3 domain containing 2; plus strand). Cytogenetic location: 9p13.3.
Variant type: Indel.
Coding change: c.3806_3807delinsAA on transcript NM_014806.5 (MANE Select); coding-DNA positions 3806 to 3807, GC replaced by AA.
Protein change: p.Gly1269Glu; replaces glycine 1269 with glutamic acid.
Molecular consequence: missense variant. On other transcripts: non-coding transcript variant (1).
Genome position (GRCh38, 1-based): chr9:35,560,446-35,560,447, GC replaced by AA. VCF-style: chr9-35560446-GC-AA. GRCh37 (hg19) VCF-style: chr9-35560443-GC-AA.
Other names: c.3806_3807delinsAA, p.Gly1269Glu (NM_001135999.2); c.1172_1173delinsAA, p.Gly391Glu (NM_001330740.2); short protein forms G391E, G1269E.
Identifiers: ClinVar variation 2101002 (VCV002101002.4), dbSNP rs2490416907, ClinGen allele CA2580080526.

ClinVar aggregate classification (germline): Uncertain significance (1 of 4 stars; one submission).

Submission:

Labcorp Genetics (formerly Invitae), Labcorp
Classification: Uncertain significance. Last evaluated: 2022-02-21. Review status: criteria provided, single submitter. Criteria: Invitae Variant Classification Sherloc (09022015). Collection method: clinical testing. Allele origin: germline.
Comment: Algorithms developed to predict the effect of missense changes on protein structure and function are either unavailable or do not agree on the potential impact of this missense change (SIFT: "Not Available"; PolyPhen-2: "Possibly Damaging"; Align-GVGD: "Not Available"). In summary, the available evidence is currently insufficient to determine the role of this variant in disease. Therefore, it has been classified as a Variant of Uncertain Significance. This variant has not been reported in the literature in individuals affected with RUSC2-related conditions. This variant is present in population databases (no rsID available, gnomAD 0.04%). This sequence change replaces glycine, which is neutral and non-polar, with glutamic acid, which is acidic and polar, at codon 1269 of the RUSC2 protein (p.Gly1269Glu).